The following is an entry in ClinVar:

NM_001202.6(BMP4):c.370+28G>A

Gene: BMP4 (bone morphogenetic protein 4; minus strand). Cytogenetic location: 14q22.2.
Variant type: single nucleotide variant.
Coding change: c.370+28G>A on transcript NM_001202.6 (MANE Select); 28 bases into the intron after coding-DNA position 370, G replaced by A.
Molecular consequence: intron variant.
Genome position (GRCh38, 1-based): chr14:53,951,825, C>T on the plus strand (G>A on the coding strand, the complement: BMP4 is on the minus strand). VCF-style: chr14-53951825-C-T. GRCh37 (hg19) VCF-style: chr14-54418543-C-T.
Other names: c.511+28G>A (NM_001347912.1); c.370+28G>A (NM_130850.5, NM_001347916.1, NM_130851.4 and 1 more transcripts); c.181+28G>A (NM_001347913.2, NM_001347917.1, NM_001347915.2).
Identifiers: ClinVar variation 445688 (VCV000445688.36), dbSNP rs72680532, ClinGen allele CA7191770.

ClinVar aggregate classification (germline): Benign/Likely benign. Review status: criteria provided, multiple submitters, no conflicts (2 of 4 stars). 5 submissions from 5 submitters: Benign (3); Likely benign (2). Last evaluated 2026-08-01.

Conditions:
Orofacial cleft 11 (OFC11). Also called: CLEFT LIP WITH OR WITHOUT CLEFT PALATE, NONSYNDROMIC, 11; Orofacial cleft 11; ofc11. Identifiers: MedGen C2677434, MONDO:0010906, OMIM 600625.
Microphthalmia with brain and digit anomalies (MCOPS6). Also called: MICROPHTHALMIA AND PITUITARY ANOMALIES; Microphthalmia, syndromic 6. Identifiers: Orphanet 139471, MedGen C1864689, MONDO:0011936, OMIM 607932.

Allele frequency attached by ClinVar (database versions not stated): 1000 Genomes Project 0.00280; 1000 Genomes Project 30x 0.00297; TOPMed 0.00644; gnomAD exomes 0.00773 and 0.01121; ESP Exome Variant Server 0.00793; gnomAD 0.00843 and 0.00883; ExAC 0.00858.

Submissions (5):

CeGaT Center for Human Genetics Tuebingen
Classification: Benign. Last evaluated: 2026-08-01. Review status: criteria provided, single submitter. Criteria: CeGaT Center For Human Genetics Tuebingen Variant Classification Criteria Version 2. Collection method: clinical testing. Allele origin: germline. Affected: yes. Observed: 32 variant alleles.
Comment: BMP4: BS1, BS2

Labcorp Genetics (formerly Invitae), Labcorp
Classification: Benign for Microphthalmia with brain and digit anomalies; Orofacial cleft 11. Last evaluated: 2025-07-14. Review status: criteria provided, single submitter. Criteria: Invitae Variant Classification Sherloc (09022015). Collection method: clinical testing. Allele origin: germline.

Eurofins Ntd Llc (ga)
Classification: Benign. Last evaluated: 2018-03-12. Review status: criteria provided, single submitter. Criteria: EGL ClinVar v180209 classification definitions. Collection method: clinical testing. Allele origin: germline. Observed: 1 variant allele, 1 heterozygote.

Center for Pediatric Genomic Medicine, Children's Mercy Hospital and Clinics
Classification: Likely benign. Last evaluated: 2017-04-20. Review status: criteria provided, single submitter. Criteria: ACMG Guidelines, 2015. Collection method: clinical testing. Allele origin: germline.

Breakthrough Genomics
Classification: Likely benign. Review status: criteria provided, single submitter. Criteria: ACMG Guidelines, 2015. Collection method: not provided. Allele origin: germline. Inheritance: Autosomal dominant inheritance. Affected: yes.